The following is an entry in ClinVar:

ClinVar aggregate classification (germline): Uncertain significance. Review status: criteria provided, multiple submitters, no conflicts (2 of 4 stars). 2 submissions from 2 submitters: Uncertain significance (2). Last evaluated 2023-05-02.

Allele frequency attached by ClinVar (database versions not stated): TOPMed below 0.00001; gnomAD 0.00001.
gnomAD v4.1: 6 of 1,614,002 alleles (0.00037%); highest among the groups gnomAD compares: Non-Finnish European, 0.00051%; no homozygotes.

Submissions (2):

Revvity Omics, Revvity
Classification: Uncertain significance. Last evaluated: 2023-05-02. Review status: criteria provided, single submitter. Criteria: ACMG Guidelines, 2015. Collection method: clinical testing. Allele origin: germline.

Labcorp Genetics (formerly Invitae), Labcorp
Classification: Uncertain significance. Last evaluated: 2023-03-18. Review status: criteria provided, single submitter. Criteria: Invitae Variant Classification Sherloc (09022015). Collection method: clinical testing. Allele origin: germline.
Comment: In summary, the available evidence is currently insufficient to determine the role of this variant in disease. Therefore, it has been classified as a Variant of Uncertain Significance. Advanced modeling of protein sequence and biophysical properties (such as structural, functional, and spatial information, amino acid conservation, physicochemical variation, residue mobility, and thermodynamic stability) performed at Invitae indicates that this missense variant is not expected to disrupt SLC4A1 protein function. This variant has not been reported in the literature in individuals affected with SLC4A1-related conditions. This variant is not present in population databases (gnomAD no frequency). This sequence change replaces glutamine, which is neutral and polar, with histidine, which is basic and polar, at codon 144 of the SLC4A1 protein (p.Gln144His).

NM_000342.4(SLC4A1):c.432G>T (p.Gln144His)

Gene: SLC4A1 (solute carrier family 4 member 1 (Diego blood group); minus strand). Cytogenetic location: 17q21.31.
Variant type: single nucleotide variant.
Coding change: c.432G>T on transcript NM_000342.4 (MANE Select); coding-DNA position 432, G replaced by T.
Protein change: p.Gln144His; replaces glutamine 144 with histidine.
Molecular consequence: missense variant.
Genome position (GRCh38, 1-based): chr17:44,260,457, C>A on the plus strand (G>T on the coding strand, the complement: SLC4A1 is on the minus strand). VCF-style: chr17-44260457-C-A. GRCh37 (hg19) VCF-style: chr17-42337825-C-A.
Other names: short protein forms Q144H.
Identifiers: ClinVar variation 2690015 (VCV002690015.5), dbSNP rs1270521728, ClinGen allele CA399794783.
Genomic context (GRCh38, chr17:44,260,457, plus strand): 5'-GGGGCACCTGTGTTTAAGCAGCAGGGCCCGGAGCAGCTCCTCTCGGTCCTGAGGCCGGAT[C>A]TGGTCTTCAAAGATAAACCTGTCTAGCAGTTGGTTGGCCACTCCAGCCAGGGAGGTCTCT-3'
Protein context (NP_000333.1, residues 134-154): QLLDRFIFED[Gln144His]IRPQDREELL